The following is an entry in ClinVar:

ClinVar aggregate classification (germline): Likely benign. Review status: criteria provided, multiple submitters, no conflicts (2 of 4 stars). 3 submissions from 3 submitters: Likely benign (3). Last evaluated 2025-07-15.

Conditions:
Landau-Kleffner syndrome (FESD). Also called: EPILEPSY, FOCAL, WITH SPEECH DISORDER AND WITH OR WITHOUT MENTAL RETARDATION; APHASIA, ACQUIRED, WITH EPILEPSY. Identifiers: Orphanet 1945, Orphanet 725, Orphanet 98818, MedGen C0282512, MONDO:0009509, OMIM 245570.

Allele frequency attached by ClinVar (database versions not stated): ExAC 0.00010; TOPMed 0.00011; ESP Exome Variant Server 0.00015; gnomAD 0.00010 and 0.00011; gnomAD exomes 0.00007 and 0.00020.
gnomAD v4.1: 131 of 1,613,964 alleles (0.0081%); highest among the groups gnomAD compares: Non-Finnish European, 0.0012%; no homozygotes.

Submissions (3):

Labcorp Genetics (formerly Invitae), Labcorp
Classification: Likely benign for Landau-Kleffner syndrome. Last evaluated: 2025-07-15. Review status: criteria provided, single submitter. Criteria: Invitae Variant Classification Sherloc (09022015). Collection method: clinical testing. Allele origin: germline.

Blueprint Genetics
Classification: Likely benign. Last evaluated: 2024-08-22. Review status: criteria provided, single submitter. Criteria: ACMG Guidelines, 2015. Collection method: clinical testing. Allele origin: germline.

GeneDx
Classification: Likely benign. Last evaluated: 2017-02-21. Review status: criteria provided, single submitter. Criteria: GeneDx Variant Classification (06012015). Collection method: clinical testing. Allele origin: germline. Affected: yes.
Comment: This variant is considered likely benign or benign based on one or more of the following criteria: it is a conservative change, it occurs at a poorly conserved position in the protein, it is predicted to be benign by multiple in silico algorithms, and/or has population frequency not consistent with disease.

NM_001134407.3(GRIN2A):c.949A>C (p.Lys317Gln)

Gene: GRIN2A (glutamate ionotropic receptor NMDA type subunit 2A; minus strand). Cytogenetic location: 16p13.2.
Variant type: single nucleotide variant.
Coding change: c.949A>C on transcript NM_001134407.3 (MANE Select); coding-DNA position 949, A replaced by C.
Protein change: p.Lys317Gln; replaces lysine 317 with glutamine.
Molecular consequence: missense variant.
Genome position (GRCh38, 1-based): chr16:9,938,017, T>G on the plus strand (A>C on the coding strand, the complement: GRIN2A is on the minus strand). VCF-style: chr16-9938017-T-G. GRCh37 (hg19) VCF-style: chr16-10031874-T-G.
Other names: c.949A>C, p.Lys317Gln (NM_000833.5, NM_001134408.2); short protein forms K317Q.
Identifiers: ClinVar variation 507365 (VCV000507365.13), dbSNP rs141326581, ClinGen allele CA7896869.
Genomic context (GRCh38, chr16:9,938,017, plus strand): 5'-ACGGGTGCAAGGTGTGCATCGGGACCTCTGGCCTCTCCATCTGCCCGTAGCAGCTGGCCT[T>G]GGCCTCGGGGATGTAGGAGAACTTCTCCAGCATAGAAGATGCAGCGGTGGTTAGGATGCC-3'
Protein context (NP_001127879.1, residues 307-327): LEKFSYIPEA[Lys317Gln]ASCYGQMERP